The following is an entry in ClinVar:

NM_001376.5(DYNC1H1):c.2999A>G (p.Gln1000Arg)

Gene: DYNC1H1 (dynein cytoplasmic 1 heavy chain 1; plus strand). Cytogenetic location: 14q32.31.
Variant type: single nucleotide variant.
Coding change: c.2999A>G on transcript NM_001376.5 (MANE Select); coding-DNA position 2999, A replaced by G.
Protein change: p.Gln1000Arg; replaces glutamine 1000 with arginine.
Molecular consequence: missense variant.
Genome position (GRCh38, 1-based): chr14:101,991,657, A>G. VCF-style: chr14-101991657-A-G. GRCh37 (hg19) VCF-style: chr14-102457994-A-G.
Other names: short protein forms Q1000R.
Identifiers: ClinVar variation 1798595 (VCV001798595.2), dbSNP rs1207782480, ClinGen allele CA391030762.

ClinVar aggregate classification (germline): Uncertain significance (1 of 4 stars; one submission).

Conditions:
Inborn genetic diseases. Identifiers: MedGen C0950123, MeSH D030342.

Submission:

Ambry Genetics
Classification: Uncertain significance for Inborn genetic diseases. Last evaluated: 2018-10-30. Review status: criteria provided, single submitter. Criteria: Ambry Variant Classification Scheme 2023. Collection method: clinical testing. Allele origin: germline.
Comment: The p.Q1000R variant (also known as c.2999A>G), located in coding exon 11 of the DYNC1H1 gene, results from an A to G substitution at nucleotide position 2999. The glutamine at codon 1000 is replaced by arginine, an amino acid with highly similar properties. This amino acid position is highly conserved in available vertebrate species. In addition, this alteration is predicted to be deleterious by in silico analysis. Since supporting evidence is limited at this time, the clinical significance of this alteration remains unclear.